The following is an entry in ClinVar:

NM_001165963.4(SCN1A):c.3094G>T (p.Glu1032Ter)

Genes: SCN1A (sodium voltage-gated channel alpha subunit 1; minus strand), LOC102724058 (uncharacterized LOC102724058; plus strand). Cytogenetic location: 2q24.3.
Variant type: single nucleotide variant.
Coding change: c.3094G>T on transcript NM_001165963.4 (MANE Select); coding-DNA position 3094, G replaced by T.
Protein change: p.Glu1032Ter; replaces glutamic acid 1032 with a stop codon.
Molecular consequence: nonsense. On other transcripts: non-coding transcript variant (2).
Genome position (GRCh38, 1-based): chr2:166,036,383, C>A on the plus strand (G>T on the coding strand, the complement: SCN1A is on the minus strand). VCF-style: chr2-166036383-C-A. GRCh37 (hg19) VCF-style: chr2-166892893-C-A.
Other names: c.3010G>T, p.Glu1004Ter (NM_001165964.3, NM_001353957.2, NM_001353958.2); c.3094G>T, p.Glu1032Ter (NM_001202435.3, NM_001353948.2); c.3061G>T, p.Glu1021Ter (NM_001353949.2, NM_001353950.2, NM_001353951.2 and 2 more transcripts); c.3058G>T, p.Glu1020Ter (NM_001353954.2, NM_001353955.2); c.3007G>T, p.Glu1003Ter (NM_001353960.2); c.652G>T, p.Glu218Ter (NM_001353961.2); short protein forms E1003*, E1004*, E1020*, E1021*, E1032*, E218*.
Identifiers: ClinVar variation 4293387 (VCV004293387.1).

ClinVar aggregate classification (germline): Pathogenic (1 of 4 stars; one submission).

Conditions:
SCN1A-related disorder. Also called: SCN1A-related conditions; SCN1A-related condition; SCN1A-related disorders.

Submission:

3billion
Classification: Pathogenic for SCN1A-related disorder. Last evaluated: 2024-08-22. Review status: criteria provided, single submitter. Criteria: ACMG Guidelines, 2015. Collection method: clinical testing. Allele origin: germline. Affected: yes.
Comment: The variant is not observed in the gnomAD v4.0.0 dataset. Predicted Consequence/Location: Stop-gained (nonsense): predicted to result in a loss or disruption of normal protein function through nonsense-mediated decay (NMD) or protein truncation. Multiple pathogenic variants are reported downstream of the variant. The variant has been reported to be associated with SCN1A-related disorder (PMID: 20135149). Therefore, this variant is classified as Pathogenic according to the recommendation of ACMG/AMP guideline.

Literature cited by the submitters: PubMed 20135149.